The following is an entry in ClinVar:

ClinVar aggregate classification (germline): Pathogenic (1 of 4 stars; one submission).

Conditions:
Familial adenomatous polyposis 1 (FAP1). Also called: FAMILIAL ADENOMATOUS POLYPOSIS 1, ATTENUATED; POLYPOSIS, ADENOMATOUS INTESTINAL. Identifiers: MedGen C2713442, MONDO:0021056, OMIM 175100. Disease mechanism: loss of function.

Submission:

Labcorp Genetics (formerly Invitae), Labcorp
Classification: Pathogenic for Familial adenomatous polyposis 1. Last evaluated: 2022-11-08. Review status: criteria provided, single submitter. Criteria: Invitae Variant Classification Sherloc (09022015). Collection method: clinical testing. Allele origin: germline.
Comment: For these reasons, this variant has been classified as Pathogenic. This variant disrupts a region of the APC protein in which other variant(s) (p.Tyr2645Lysfs*14) have been determined to be pathogenic (PMID: 1316610, 8381579, 9824584, 22135120, 27081525; Invitae). This suggests that this is a clinically significant region of the protein, and that variants that disrupt it are likely to be disease-causing. This variant has not been reported in the literature in individuals affected with APC-related conditions. This variant is not present in population databases (gnomAD no frequency). This sequence change creates a premature translational stop signal (p.Ser722Argfs*5) in the APC gene. While this is not anticipated to result in nonsense mediated decay, it is expected to disrupt the last 2122 amino acid(s) of the APC protein.

Literature cited by the submitters: PubMed 1316610; PubMed 8381579; PubMed 9824584; PubMed 22135120; PubMed 27081525.

NM_000038.6(APC):c.2166del (p.Ser722fs)

Gene: APC (APC regulator of Wnt signaling pathway; plus strand). Cytogenetic location: 5q22.2.
Variant type: Deletion.
Coding change: c.2166del on transcript NM_000038.6 (MANE Select); coding-DNA position 2166, one base deleted (T; older notation c.2166delT).
Protein change: p.Ser722fs; shifts the reading frame from serine 722.
Molecular consequence: frameshift variant. On other transcripts: non-coding transcript variant (2).
Genome position (GRCh38, 1-based): chr5:112,837,760, T deleted. VCF-style (leftmost placement, unchanged base first): chr5-112837759-GT-G. GRCh37 (hg19) VCF-style: chr5-112173456-GT-G.
Other names: c.2166del, p.Ser722fs (NM_001127510.3, NM_001354895.2, NM_001407450.1); c.2112del, p.Ser704fs (NM_001127511.3); c.2220del, p.Ser740fs (NM_001354896.2, NM_001407447.1, NM_001407448.1 and 1 more transcripts); c.2196del, p.Ser732fs (NM_001354897.2); c.2091del, p.Ser697fs (NM_001354898.2); c.2082del, p.Ser694fs (NM_001354899.2); c.2043del, p.Ser681fs (NM_001354900.2); c.1989del, p.Ser663fs (NM_001354901.2, NM_001407453.1); and 11 more; short protein forms S338fs, S562fs, S697fs, S712fs, S722fs, S439fs, S593fs, S596fs.
Identifiers: ClinVar variation 2812794 (VCV002812794.3), dbSNP rs2533401576, ClinGen allele CA2739274980.